The following is an entry in ClinVar:

ClinVar aggregate classification (germline): Pathogenic (1 of 4 stars; one submission).

Conditions:
Severe combined immunodeficiency due to DCLRE1C deficiency (RS-SCID). Also called: SCID, AUTOSOMAL RECESSIVE, T CELL-NEGATIVE, B CELL-NEGATIVE, NK CELL-POSITIVE, WITH SENSITIVITY TO IONIZING RADIATION. Identifiers: Orphanet 275, MedGen C1865371, MONDO:0011225, OMIM 602450.

Submission:

Labcorp Genetics (formerly Invitae), Labcorp
Classification: Pathogenic for Athabaskan severe combined immunodeficiency. Last evaluated: 2020-09-09. Review status: criteria provided, single submitter. Criteria: Invitae Variant Classification Sherloc (09022015). Collection method: clinical testing. Allele origin: germline.
Comment: This sequence change results in a premature translational stop signal in the DCLRE1C gene (p.Glu439Valfs*14). While this is not anticipated to result in nonsense mediated decay, it is expected to disrupt the last 254 amino acids of the DCLRE1C protein. This variant is not present in population databases (ExAC no frequency). This variant has not been reported in the literature in individuals with DCLRE1C-related conditions. This variant disrupts the C-terminus of the DCLRE1C protein. Other variant(s) that disrupt this region (p.Asp451Lysfs*11) have been determined to be pathogenic (PMID: 12569164, 19953608, 25917813, 21147755). This suggests that variants that disrupt this region of the protein are likely to be causative of disease. For these reasons, this variant has been classified as Pathogenic.

Literature cited by the submitters: PubMed 12569164; PubMed 19953608; PubMed 25917813; PubMed 21147755.

NM_001033855.3(DCLRE1C):c.1316_1317del (p.Glu439fs)

Gene: DCLRE1C (DNA cross-link repair 1C; minus strand). Cytogenetic location: 10p13.
Variant type: Microsatellite.
Coding change: c.1316_1317del on transcript NM_001033855.3 (MANE Select); coding-DNA positions 1316 to 1317, 2 bases deleted (AG; older notation c.1316_1317delAG).
Protein change: p.Glu439fs; shifts the reading frame from glutamic acid 439.
Molecular consequence: frameshift variant. On other transcripts: non-coding transcript variant (4).
Genome position (GRCh38, 1-based): chr10:14,909,170-14,909,171, CT deleted on the plus strand (AG on the coding strand, the reverse complement: DCLRE1C is on the minus strand); deleting any 2 consecutive bases within chr10:14,909,170-14,909,173 gives the same sequence; the c. name uses the placement nearest the transcript's 3' end. VCF-style (leftmost placement, unchanged base first): chr10-14909169-ACT-A. GRCh37 (hg19) VCF-style: chr10-14951168-ACT-A.
Other names: c.956_957del, p.Glu319fs (NM_001033858.3, NM_001289077.2, NM_001289079.2 and 2 more transcripts); c.971_972del, p.Glu324fs (NM_001289076.2, NM_001289078.2, NM_001350966.2 and 1 more transcripts); c.1316_1317del, p.Glu439fs (NM_001350965.2); short protein forms E319fs, E324fs, E439fs.
Identifiers: ClinVar variation 1074072 (VCV001074072.9), dbSNP rs1200768694, ClinGen allele CA592312508.